The following is an entry in ClinVar:

ClinVar aggregate classification (germline): Uncertain significance (1 of 4 stars; one submission).

Conditions:
Werner syndrome (WRN). Identifiers: Orphanet 902, MedGen C0043119, MONDO:0010196, OMIM 277700.

Allele frequency attached by ClinVar (database versions not stated): gnomAD exomes below 0.00001; TOPMed below 0.00001; ExAC 0.00001.
gnomAD v4.1: 2 of 1,614,020 alleles (0.00012%); highest among the groups gnomAD compares: Non-Finnish European, 0.00017%; no homozygotes.

Submission:

Labcorp Genetics (formerly Invitae), Labcorp
Classification: Uncertain significance for Werner syndrome. Last evaluated: 2022-07-25. Review status: criteria provided, single submitter. Criteria: Invitae Variant Classification Sherloc (09022015). Collection method: clinical testing. Allele origin: germline.
Comment: In summary, the available evidence is currently insufficient to determine the role of this variant in disease. Therefore, it has been classified as a Variant of Uncertain Significance. Algorithms developed to predict the effect of missense changes on protein structure and function are either unavailable or do not agree on the potential impact of this missense change (SIFT: "Not Available"; PolyPhen-2: "Probably Damaging"; Align-GVGD: "Not Available"). This variant has not been reported in the literature in individuals affected with WRN-related conditions. This variant is present in population databases (rs768430448, gnomAD 0.0009%). This sequence change replaces proline, which is neutral and non-polar, with threonine, which is neutral and polar, at codon 1175 of the WRN protein (p.Pro1175Thr).

NM_000553.6(WRN):c.3523C>A (p.Pro1175Thr)

Gene: WRN (WRN RecQ like helicase; plus strand). Cytogenetic location: 8p12.
Variant type: single nucleotide variant.
Coding change: c.3523C>A on transcript NM_000553.6 (MANE Select); coding-DNA position 3523, C replaced by A.
Protein change: p.Pro1175Thr; replaces proline 1175 with threonine.
Molecular consequence: missense variant.
Genome position (GRCh38, 1-based): chr8:31,147,427, C>A. VCF-style: chr8-31147427-C-A. GRCh37 (hg19) VCF-style: chr8-31004943-C-A.
Other names: short protein forms P1175T.
Identifiers: ClinVar variation 2192469 (VCV002192469.4), dbSNP rs768430448, ClinGen allele CA4705094.
Genomic context (GRCh38, chr8:31,147,427, plus strand): 5'-GTGTTATATGGCAAATTGGTAGAAGCTAGGCAGAAACATGCCAATAAAATGGATGTTCCC[C>A]CAGCTATTCTGGCAACAAACAAGATACTGGTGGATATGGCCAAAATGAGGTAAACTATCT-3'
Protein context (NP_000544.2, residues 1165-1185): QKHANKMDVP[Pro1175Thr]AILATNKILV